The following is an entry in ClinVar:

NM_022893.4(BCL11A):c.793_794del (p.Leu265fs)

Gene: BCL11A (BCL11 transcription factor A; minus strand). Cytogenetic location: 2p16.1.
Variant type: Deletion.
Coding change: c.793_794del on transcript NM_022893.4 (MANE Select); coding-DNA positions 793 to 794, 2 bases deleted (CT; older notation c.793_794delCT).
Protein change: p.Leu265fs; shifts the reading frame from leucine 265.
Molecular consequence: frameshift variant. On other transcripts: intron variant (9).
Genome position (GRCh38, 1-based): chr2:60,462,118-60,462,119, AG deleted on the plus strand (CT on the coding strand, the reverse complement: BCL11A is on the minus strand). VCF-style (leftmost placement, unchanged base first): chr2-60462117-CAG-C. GRCh37 (hg19) VCF-style: chr2-60689252-CAG-C.
Other names: c.691_692del, p.Leu231fs (NM_001405711.1, NM_001405712.1, NM_001405719.1 and 2 more transcripts); c.637_638del, p.Leu213fs (NM_001405713.1, NM_001405714.1, NM_001405715.1 and 3 more transcripts); c.535_536del, p.Leu179fs (NM_001405717.1, NM_001405718.1, NM_001405724.1); c.460_461del, p.Leu154fs (NM_001405720.1, NM_001405721.1); c.337_338del, p.Leu113fs (NM_001405725.1, NM_001405726.1, NM_001405727.1 and 1 more transcripts); c.793_794del, p.Leu265fs (NM_018014.4, NM_001405708.1, NM_001405709.1 and 1 more transcripts); c.630+163_630+164del (NM_138559.2, NM_001405732.1, NM_001405730.1); c.528+163_528+164del (NM_001405733.1); and 3 more; short protein forms L113fs, L154fs, L179fs, L213fs, L231fs, L265fs.
Identifiers: ClinVar variation 4685101 (VCV004685101.1).

ClinVar aggregate classification (germline): Pathogenic (1 of 4 stars; one submission).

Submission:

GeneDx
Classification: Pathogenic. Last evaluated: 2025-07-06. Review status: criteria provided, single submitter. Criteria: GeneDx Variant Classification Process June 2021. Collection method: clinical testing. Allele origin: germline. Affected: yes.
Comment: Frameshift variant predicted to result in abnormal protein length as the last 571 amino acids are replaced with 1 different amino acid, and other similar variants have been reported; Not observed at significant frequency in large population cohorts (gnomAD); This variant is associated with the following publications: (PMID: 35741772)